The following is an entry in ClinVar:

NM_000384.3(APOB):c.3472G>A (p.Gly1158Ser)

Gene: APOB (apolipoprotein B; minus strand). Cytogenetic location: 2p24.1.
Variant type: single nucleotide variant.
Coding change: c.3472G>A on transcript NM_000384.3 (MANE Select); coding-DNA position 3472, G replaced by A.
Protein change: p.Gly1158Ser; replaces glycine 1158 with serine.
Molecular consequence: missense variant.
Genome position (GRCh38, 1-based): chr2:21,015,406, C>T on the plus strand (G>A on the coding strand, the complement: APOB is on the minus strand). VCF-style: chr2-21015406-C-T. GRCh37 (hg19) VCF-style: chr2-21238278-C-T.
Other names: short protein forms G1158S.
Identifiers: ClinVar variation 4789079 (VCV004789079.1).

ClinVar aggregate classification (germline): Uncertain significance (1 of 4 stars; one submission).

Conditions:
Familial hypobetalipoproteinemia 1. Also called: APOB-Related Familial Hypobetalipoproteinemia; Hypobetalipoproteinemia, normotriglyceridemic; Acanthocytosis with hypobetalipoproteinemia. Identifiers: MedGen C4551990, MONDO:0014252, OMIM 615558.
Hypercholesterolemia, autosomal dominant, type B (FHCL2). Also called: APOB-Related Familial Hypercholesterolemia, Autosomal Dominant; Familial hypercholesterolemia 2; Familial Hypercholesterolemia Type B; APOLIPOPROTEIN B-100, FAMILIAL DEFECTIVE; APOLIPOPROTEIN B-100, FAMILIAL LIGAND-DEFECTIVE; HYPERCHOLESTEROLEMIA, FAMILIAL, DUE TO LIGAND-DEFECTIVE APOLIPOPROTEIN B. Identifiers: MedGen C1704417, MONDO:0007751, OMIM 144010.

Submission:

Labcorp Genetics (formerly Invitae), Labcorp
Classification: Uncertain significance for Familial hypobetalipoproteinemia 1; Hypercholesterolemia, autosomal dominant, type B. Last evaluated: 2025-10-13. Review status: criteria provided, single submitter. Criteria: Invitae Variant Classification Sherloc (09022015). Collection method: clinical testing. Allele origin: germline.
Comment: This sequence change replaces glycine, which is neutral and non-polar, with serine, which is neutral and polar, at codon 1158 of the APOB protein (p.Gly1158Ser). This variant is not present in population databases (gnomAD no frequency). This variant has not been reported in the literature in individuals affected with APOB-related conditions. Invitae Evidence Modeling of protein sequence and biophysical properties (such as structural, functional, and spatial information, amino acid conservation, physicochemical variation, residue mobility, and thermodynamic stability) indicates that this missense variant is not expected to disrupt APOB protein function with a negative predictive value of 95%. In summary, the available evidence is currently insufficient to determine the role of this variant in disease. Therefore, it has been classified as a Variant of Uncertain Significance.